The following is an entry in ClinVar:

ClinVar aggregate classification (germline): Likely benign (1 of 4 stars; one submission).

Allele frequency attached by ClinVar (database versions not stated): TOPMed below 0.00001.
gnomAD v4.1: 1 of 1,614,244 alleles (0.000062%); no homozygotes.

Submission:

GeneDx
Classification: Likely benign. Last evaluated: 2015-10-27. Review status: criteria provided, single submitter. Criteria: GeneDx Variant Classification (06012015). Collection method: clinical testing. Allele origin: germline. Affected: yes.
Comment: This variant is considered likely benign or benign based on one or more of the following criteria: it is a conservative change, it occurs at a poorly conserved position in the protein, it is predicted to be benign by multiple in silico algorithms, and/or has population frequency not consistent with disease.

NM_015443.4(KANSL1):c.264A>G (p.Thr88=)

Gene: KANSL1 (KAT8 regulatory NSL complex subunit 1). Cytogenetic location: 17q21.31.
Variant type: single nucleotide variant.
Coding change: c.264A>G on transcript NM_015443.4 (MANE Select); coding-DNA position 264, A replaced by G.
Protein change: p.Thr88=; no amino-acid change (threonine 88 retained).
Molecular consequence: synonymous variant.
Genome position (GRCh38, 1-based): chr17:46,171,880, T>C on the plus strand (A>G on the coding strand, the complement: KANSL1 is on the minus strand). VCF-style: chr17-46171880-T-C. GRCh37 (hg19) VCF-style: chr17-44249246-T-C.
Other names: c.264A>G, p.Thr88= (NM_001193465.2, NM_001193466.2, NM_001379198.1).
Identifiers: ClinVar variation 381241 (VCV000381241.1), dbSNP rs1057520987, ClinGen allele CA16608506.